The following is an entry in ClinVar:

NM_017739.4(POMGNT1):c.990_991insAA (p.Gln331fs)

Genes: POMGNT1 (protein O-linked mannose N-acetylglucosaminyltransferase 1 (beta 1,2-); minus strand), TSPAN1 (tetraspanin 1; plus strand). Cytogenetic location: 1p34.1.
Variant type: Insertion.
Coding change: c.990_991insAA on transcript NM_017739.4 (MANE Select); coding-DNA positions 990 to 991, AA inserted.
Protein change: p.Gln331fs; shifts the reading frame from glutamine 331.
Molecular consequence: frameshift variant.
Genome position: GRCh38 VCF-style: chr1-46193599-G-GTT. GRCh37 (hg19) VCF-style: chr1-46659271-G-GTT.
Other names: c.990_991insAA, p.Gln331fs (NM_001243766.2, NM_001410783.1); c.924_925insAA, p.Gln309Asnfs (NM_001290129.3); c.561_562insAA, p.Gln188fs (NM_001290130.2); short protein forms Q309fs, Q188fs, Q331fs.
Identifiers: ClinVar variation 2072367 (VCV002072367.4), dbSNP rs2525411630, ClinGen allele CA2580062951.

ClinVar aggregate classification (germline): Pathogenic (1 of 4 stars; one submission).

Conditions:
Autosomal recessive limb-girdle muscular dystrophy type 2O. Also called: Limb-Girdle Muscular Dystrophy Type 3C; MUSCULAR DYSTROPHY-DYSTROGLYCANOPATHY (LIMB-GIRDLE), TYPE C, 3; MUSCULAR DYSTROPHY-DYSTROGLYCANOPATHY, LIMB-GIRDLE, POMGNT1-RELATED. Identifiers: Orphanet 206564, MedGen C3150417, MONDO:0013161, OMIM 613157.
Muscular dystrophy-dystroglycanopathy (congenital with impaired intellectual development), type B, 3. Also called: Muscular dystrophy-dystroglycanopathy (congenital with intellectual disability), type B3; MUSCULAR DYSTROPHY, CONGENITAL, POMGNT1-RELATED. Identifiers: MedGen C3150412, MONDO:0013155, OMIM 613151.

Submission:

Labcorp Genetics (formerly Invitae), Labcorp
Classification: Pathogenic for Autosomal recessive limb-girdle muscular dystrophy type 2O; Muscular dystrophy-dystroglycanopathy (congenital with impaired intellectual development), type B, 3. Last evaluated: 2022-01-03. Review status: criteria provided, single submitter. Criteria: Invitae Variant Classification Sherloc (09022015). Collection method: clinical testing. Allele origin: germline.
Comment: For these reasons, this variant has been classified as Pathogenic. This variant has not been reported in the literature in individuals affected with POMGNT1-related conditions. This variant is not present in population databases (gnomAD no frequency). This sequence change creates a premature translational stop signal (p.Gln331Asnfs*3) in the POMGNT1 gene. It is expected to result in an absent or disrupted protein product. Loss-of-function variants in POMGNT1 are known to be pathogenic (PMID: 19299310, 20816175, 21447391, 26908613, 27391550).

Literature cited by the submitters: PubMed 19299310; PubMed 20816175; PubMed 21447391; PubMed 26908613; PubMed 27391550.